The following is an entry in ClinVar:

NM_002471.4(MYH6):c.1286C>A (p.Ala429Asp)

Gene: MYH6 (myosin heavy chain 6; minus strand). Cytogenetic location: 14q11.2.
Variant type: single nucleotide variant.
Coding change: c.1286C>A on transcript NM_002471.4 (MANE Select); coding-DNA position 1286, C replaced by A.
Protein change: p.Ala429Asp; replaces alanine 429 with aspartic acid.
Molecular consequence: missense variant.
Genome position (GRCh38, 1-based): chr14:23,400,833, G>T on the plus strand (C>A on the coding strand, the complement: MYH6 is on the minus strand). VCF-style: chr14-23400833-G-T. GRCh37 (hg19) VCF-style: chr14-23870042-G-T.
Other names: short protein forms A429D.
Identifiers: ClinVar variation 839352 (VCV000839352.9), dbSNP rs1891577982, ClinGen allele CA389023917.

ClinVar aggregate classification (germline): Uncertain significance (1 of 4 stars; one submission).

Conditions:
Hypertrophic cardiomyopathy 14. Identifiers: MedGen C2750467, MONDO:0013197, OMIM 613251.

Submission:

Labcorp Genetics (formerly Invitae), Labcorp
Classification: Uncertain significance for Hypertrophic cardiomyopathy 14. Last evaluated: 2019-11-26. Review status: criteria provided, single submitter. Criteria: Invitae Variant Classification Sherloc (09022015). Collection method: clinical testing. Allele origin: germline.
Comment: This variant is not present in population databases (ExAC no frequency). In summary, the available evidence is currently insufficient to determine the role of this variant in disease. Therefore, it has been classified as a Variant of Uncertain Significance. Algorithms developed to predict the effect of missense changes on protein structure and function are either unavailable or do not agree on the potential impact of this missense change (SIFT: "Deleterious"; PolyPhen-2: "Benign"; Align-GVGD: "Class C0"). This variant has not been reported in the literature in individuals with MYH6-related conditions. This sequence change replaces alanine with aspartic acid at codon 429 of the MYH6 protein (p.Ala429Asp). The alanine residue is weakly conserved and there is a moderate physicochemical difference between alanine and aspartic acid.